The following is an entry in ClinVar:

NM_000071.3(CBS):c.1280C>T (p.Pro427Leu)

Gene: CBS (cystathionine beta-synthase; minus strand). Cytogenetic location: 21q22.3.
Variant type: single nucleotide variant.
Coding change: c.1280C>T on transcript NM_000071.3 (MANE Select); coding-DNA position 1280, C replaced by T.
Protein change: p.Pro427Leu; replaces proline 427 with leucine.
Molecular consequence: missense variant.
Genome position (GRCh38, 1-based): chr21:43,058,912, G>A on the plus strand (C>T on the coding strand, the complement: CBS is on the minus strand). VCF-style: chr21-43058912-G-A. GRCh37 (hg19) VCF-style: chr21-44479022-G-A.
Other names: p.P427L:CCG>CTG; c.1280C>T, p.Pro427Leu (NM_001178008.3, NM_001178009.3, NM_001320298.2); c.965C>T, p.Pro322Leu (NM_001321072.1); short protein forms P427L, P322L.
Identifiers: ClinVar variation 212867 (VCV000212867.10), dbSNP rs863223434, ClinGen allele CA321746.

ClinVar aggregate classification (germline): Conflicting classifications of pathogenicity. Review status: criteria provided, conflicting classifications (1 of 4 stars). 8 submissions from 8 submitters: Likely pathogenic (3); Uncertain significance (4). 1 of the submissions does not count toward it. Last evaluated 2026-08-03.

Conditions:
Classic homocystinuria. Also called: Homocystinuria due to CBS deficiency; Cystathionine beta-synthase deficiency; CBS deficiency; HOMOCYSTINURIA WITH OR WITHOUT RESPONSE TO PYRIDOXINE; Homocystinuria due to Cystathionine Beta-Synthase Deficiency. Identifiers: Orphanet 394, MedGen C0751202, MONDO:0009352, OMIM 236200.
HYPERHOMOCYSTEINEMIA, THROMBOTIC, CBS-RELATED. Identifiers: MedGen C3150344, OMIM 236200.

Allele frequency attached by ClinVar (database versions not stated): gnomAD exomes 0.00001; gnomAD 0.00003.

Submissions (8):

Genelabs Medical  (pvt) Ltd
Classification: Likely pathogenic for Classic homocystinuria. Last evaluated: 2026-08-03. Review status: criteria provided, single submitter. Criteria: ACMG Guidelines, 2015. Collection method: clinical testing. Allele origin: germline. Inheritance: Autosomal recessive inheritance. Affected: no. Observed: 1 heterozygote.
Comment: The missense variant NM_000071.3(CBS):c.1280C>T (p.Pro427Leu) is absent from large population databases such as gnomAD. This nucleotide change results in a missense change at codon 427 of the CBS gene. The affected residue is located within the CBS domain, a functionally important region of the protein. Published functional studies demonstrated that the p.Pro427Leu variant impairs activation of cystathionine β-synthase by its allosteric activator, S-adenosylmethionine (SAM) (PMIDs: 23974653, 25044645). The CBS gene demonstrates enrichment for pathogenic missense variation, with 106 pathogenic/likely pathogenic and 6 benign/likely benign missense variants reported. In silico prediction using REVEL yielded a score of 0.783, supporting a deleterious effect on protein function. Based on the cumulative evidence, this variant is classified as Likely Pathogenic. (PS3_Supporting, PM1, PM2_Supporting, PP2, PP3_Moderate)

Myriad Genetics, Inc.
Classification: Uncertain significance for Classic homocystinuria. Last evaluated: 2026-05-26. Review status: criteria provided, single submitter. Criteria: Myriad Autosomal Dominant, Autosomal Recessive and X-Linked Classification Criteria (2023). Collection method: clinical testing. Allele origin: unknown.
Comment: NM_000071.2(CBS):c.1280C>T(P427L) is a missense variant classified as a variant of uncertain significance in the context of homocystinuria, CBS-related. P427L has been observed in a case with relevant disease (PMID: 23974653). Relevant functional assessments of this variant are available in the literature (PMID: 23974653, 25044645). P427L has been observed in referenced population frequency databases. In summary, there is insufficient evidence to classify NM_000071.2(CBS):c.1280C>T(P427L) as pathogenic or benign. Please note: this variant was assessed in the context of healthy population screening.

GeneDx
Classification: Likely pathogenic. Last evaluated: 2025-09-16. Review status: criteria provided, single submitter. Criteria: GeneDx Variant Classification Process June 2021. Collection method: clinical testing. Allele origin: germline. Affected: yes.
Comment: Published functional studies demonstrated P427L causes impaired CBS enzyme activation by its allosteric activator, S-adenosylmethionine (SAM) (PMID: 23974653, 25044645); Not observed at significant frequency in large population cohorts (gnomAD); In silico analysis supports that this missense variant has a deleterious effect on protein structure/function; This variant is associated with the following publications: (PMID: 25044645, 23974653)

Baylor Genetics
Classification: Likely pathogenic for Classic homocystinuria. Last evaluated: 2024-02-20. Review status: criteria provided, single submitter. Criteria: ACMG Guidelines, 2015. Collection method: clinical testing. Allele origin: unknown.

Women's Health and Genetics/Laboratory Corporation of America, LabCorp
Classification: Uncertain significance. Last evaluated: 2022-11-07. Review status: criteria provided, single submitter. Criteria: LabCorp Variant Classification Summary - May 2015. Collection method: clinical testing. Allele origin: germline.
Comment: Variant summary: CBS c.1280C>T (p.Pro427Leu) results in a non-conservative amino acid change located in the CBS domain (IPR000644) of the encoded protein sequence. Three of five in-silico tools predict a damaging effect of the variant on protein function. The variant allele was found at a frequency of 1.1e-05 in 187750 control chromosomes (gnomAD). The available data on variant occurrences in the general population are insufficient to allow any conclusion about variant significance. c.1280C>T has been reported in the literature in the compound heterozygous state in an individual affected with Homocystinuria (e.g. Mendes_2013). These report(s) do not provide unequivocal conclusions about association of the variant with Homocystinuria. Two publications report experimental evidence evaluating an impact on protein function. They found the variant protein had similar enzymatic activity when compared to the WT protein, but did note that its basal activity was slightly increased and thus upon activation it did not show the same relative increase in activity as the WT protein (e.g. Mendes_2013, Mendes_2014), however it is not yet clear if this could result in pathogenicity. One submitter has provided a clinical-significance assessment for this variant to ClinVar after 2014 without evidence for independent evaluation and classified the variant as uncertain significance. Based on the evidence outlined above, the variant was classified as uncertain significance.

Labcorp Genetics (formerly Invitae), Labcorp
Classification: Uncertain significance for HYPERHOMOCYSTEINEMIA, THROMBOTIC, CBS-RELATED. Last evaluated: 2022-02-24. Review status: criteria provided, single submitter. Criteria: Invitae Variant Classification Sherloc (09022015). Collection method: clinical testing. Allele origin: germline.
Comment: This sequence change replaces proline, which is neutral and non-polar, with leucine, which is neutral and non-polar, at codon 427 of the CBS protein (p.Pro427Leu). The frequency data for this variant in the population databases is considered unreliable, as metrics indicate poor data quality at this position in the gnomAD database. This missense change has been observed in individual(s) with homocystinuria (PMID: 23974653). ClinVar contains an entry for this variant (Variation ID: 212867). Algorithms developed to predict the effect of missense changes on protein structure and function are either unavailable or do not agree on the potential impact of this missense change (SIFT: "Deleterious"; PolyPhen-2: "Benign"; Align-GVGD: "Class C0"). Experimental studies have shown that this missense change affects CBS function (PMID: 23974653, 25044645). In summary, the available evidence is currently insufficient to determine the role of this variant in disease. Therefore, it has been classified as a Variant of Uncertain Significance.

Juno Genomics, Hangzhou Juno Genomics, Inc
Classification: Uncertain significance for Classic homocystinuria. Review status: criteria provided, single submitter. Criteria: ACMG Guidelines, 2015. Collection method: clinical testing. Allele origin: germline. Affected: yes.
Comment: Absent from controls (or at extremely low frequency if recessive) in Genome Aggregation Database.;Well-established in vitro or in vivo functional studies supportive of a damaging effect on the gene or gene product.;For recessive disorders, detected in trans with a pathogenic variant.;Patient's phenotype or family history is highly specific for a disease with a single genetic etiology.

Clinical Molecular Genetics Laboratory, Johns Hopkins All Children's Hospital
Classification: Uncertain significance. Last evaluated: 2016-03-15. Review status: no assertion criteria provided. Collection method: clinical testing. Allele origin: germline. Affected: yes. Not counted in ClinVar's aggregate classification.

Literature cited by the submitters: PubMed 23974653 (cited by 4 submitters); PubMed 25044645 (cited by 4 submitters).